The following is an entry in ClinVar:

ClinVar aggregate classification (germline): Uncertain significance. Review status: criteria provided, multiple submitters, no conflicts (2 of 4 stars). 2 submissions from 2 submitters: Uncertain significance (2). Last evaluated 2026-04-28.

Conditions:
Hereditary cancer-predisposing syndrome. Also called: Hereditary Cancer Syndrome; Neoplastic Syndromes, Hereditary; Tumor predisposition; Hereditary neoplastic syndrome. Identifiers: Orphanet 140162, MedGen C0027672, MeSH D009386, MONDO:0015356.
Tuberous sclerosis 2 (TSC2). Identifiers: Orphanet 805, MedGen C1860707, MONDO:0013199, OMIM 613254.

Submissions (2):

Ambry Genetics
Classification: Uncertain significance for Hereditary cancer-predisposing syndrome. Last evaluated: 2026-04-28. Review status: criteria provided, single submitter. Criteria: Ambry Variant Classification Scheme 2023. Collection method: clinical testing. Allele origin: germline.
Comment: The p.A1163G variant (also known as c.3488C>G), located in coding exon 29 of the TSC2 gene, results from a C to G substitution at nucleotide position 3488. The alanine at codon 1163 is replaced by glycine, an amino acid with similar properties. This amino acid position is conserved. In addition, the in silico prediction for this alteration is inconclusive. Based on the available evidence, the clinical significance of this variant remains unclear.

Labcorp Genetics (formerly Invitae), Labcorp
Classification: Uncertain significance for Tuberous sclerosis 2. Last evaluated: 2019-05-31. Review status: criteria provided, single submitter. Criteria: Invitae Variant Classification Sherloc (09022015). Collection method: clinical testing. Allele origin: germline.
Comment: This variant is not present in population databases (ExAC no frequency). In summary, the available evidence is currently insufficient to determine the role of this variant in disease. Therefore, it has been classified as a Variant of Uncertain Significance. Algorithms developed to predict the effect of missense changes on protein structure and function (SIFT, PolyPhen-2, Align-GVGD) all suggest that this variant is likely to be tolerated, but these predictions have not been confirmed by published functional studies and their clinical significance is uncertain. This variant has not been reported in the literature in individuals with TSC2-related conditions. This sequence change replaces alanine with glycine at codon 1163 of the TSC2 protein (p.Ala1163Gly). The alanine residue is moderately conserved and there is a small physicochemical difference between alanine and glycine.

NM_000548.5(TSC2):c.3488C>G (p.Ala1163Gly)

Gene: TSC2 (TSC complex subunit 2; plus strand). Cytogenetic location: 16p13.3.
Variant type: single nucleotide variant.
Coding change: c.3488C>G on transcript NM_000548.5 (MANE Select); coding-DNA position 3488, C replaced by G.
Protein change: p.Ala1163Gly; replaces alanine 1163 with glycine.
Molecular consequence: missense variant.
Genome position (GRCh38, 1-based): chr16:2,080,255, C>G. VCF-style: chr16-2080255-C-G. GRCh37 (hg19) VCF-style: chr16-2130256-C-G.
Other names: c.3356C>G, p.Ala1119Gly (NM_001077183.3, NM_001370404.1); c.3488C>G, p.Ala1163Gly (NM_001114382.3); c.3248C>G, p.Ala1083Gly (NM_001318827.2); c.3212C>G, p.Ala1071Gly (NM_001318829.2); c.2756C>G, p.Ala919Gly (NM_001318831.2); c.3389C>G, p.Ala1130Gly (NM_001318832.2); c.3359C>G, p.Ala1120Gly (NM_001363528.2, NM_001370405.1, NM_021055.3); short protein forms A1119G, A1071G, A1130G, A1163G, A919G, A1083G, A1120G.
Identifiers: ClinVar variation 943033 (VCV000943033.10), dbSNP rs1596390123, ClinGen allele CA394289061.